The following is an entry in ClinVar:

ClinVar aggregate classification (germline): Uncertain significance. Review status: criteria provided, single submitter (1 of 4 stars). 2 submissions from 2 submitters: Uncertain significance (1). 1 of the submissions does not count toward it. Last evaluated 2017-11-07.

Conditions:
Dystrophin deficiency.
Cardiomyopathy (CMYO). Also called: Cardiomyopathies. Identifiers: Orphanet 167848, MedGen C0878544, MONDO:0004994, HP:0001638. Inheritance: Various modes of inheritance.
Becker muscular dystrophy (BMD). Also called: Becker Muscular Dystrophy (BMD); MUSCULAR DYSTROPHY, PSEUDOHYPERTROPHIC PROGRESSIVE, BECKER TYPE. Identifiers: Orphanet 98895, MedGen C0917713, MONDO:0010311, OMIM 300376.
Duchenne muscular dystrophy (DMD). Also called: Duchenne Muscular Dystrophy (DMD); MUSCULAR DYSTROPHY, PSEUDOHYPERTROPHIC PROGRESSIVE, DUCHENNE TYPE. Identifiers: Orphanet 98896, MedGen C0013264, MONDO:0010679, OMIM 310200.

Allele frequency attached by ClinVar (database versions not stated): gnomAD exomes below 0.00001 and 0.00002; ExAC 0.00002.
gnomAD v4.1: 5 of 1,210,695 alleles (0.00041%); highest among the groups gnomAD compares: Non-Finnish European, 0.00056%; no homozygotes.

Submissions (2):

Labcorp Genetics (formerly Invitae), Labcorp
Classification: Uncertain significance for Duchenne muscular dystrophy. Last evaluated: 2017-11-07. Review status: criteria provided, single submitter. Criteria: Invitae Variant Classification Sherloc (09022015). Collection method: clinical testing. Allele origin: germline.
Comment: In summary, the available evidence is currently insufficient to determine the role of this variant in disease. Therefore, it has been classified as a Variant of Uncertain Significance. Algorithms developed to predict the effect of missense changes on protein structure and function (SIFT, PolyPhen-2, Align-GVGD) all suggest that this variant is likely to be tolerated, but these predictions have not been confirmed by published functional studies and their clinical significance is uncertain. This variant has been reported in the literature in an individual affected with dilated cardiomyopathy (Invitae). This variant is present in population databases (rs771250421, ExAC 0.004%). This sequence change replaces lysine with glutamic acid at codon 1434 of the DMD protein (p.Lys1434Glu). The lysine residue is highly conserved and there is a small physicochemical difference between lysine and glutamic acid.

Natera, Inc.
Classification: Uncertain significance for Becker muscular dystrophy; Cardiomyopathy; Duchenne muscular dystrophy; Dystrophin deficiency. Last evaluated: 2019-03-19. Review status: no assertion criteria provided. Collection method: clinical testing. Allele origin: germline. Not counted in ClinVar's aggregate classification.

NM_004006.3(DMD):c.4300A>G (p.Lys1434Glu)

Gene: DMD (dystrophin; minus strand). Cytogenetic location: Xp21.1.
Variant type: single nucleotide variant.
Coding change: c.4300A>G on transcript NM_004006.3 (MANE Select); coding-DNA position 4300, A replaced by G.
Protein change: p.Lys1434Glu; replaces lysine 1434 with glutamic acid.
Molecular consequence: missense variant.
Genome position (GRCh38, 1-based): chrX:32,390,115, T>C on the plus strand (A>G on the coding strand, the complement: DMD is on the minus strand). VCF-style: chrX-32390115-T-C. GRCh37 (hg19) VCF-style: chrX-32408232-T-C.
Other names: c.4276A>G, p.Lys1426Glu (NM_000109.4); c.4288A>G, p.Lys1430Glu (NM_004009.3); c.3931A>G, p.Lys1311Glu (NM_004010.3); c.277A>G, p.Lys93Glu (NM_004011.4); c.268A>G, p.Lys90Glu (NM_004012.4); short protein forms K1434E, K1430E, K1311E, K93E, K90E, K1426E.
Identifiers: ClinVar variation 526042 (VCV000526042.10), dbSNP rs771250421, ClinGen allele CA10378994.
Genomic context (GRCh38, chrX:32,390,115, plus strand): 5'-CTGAAATAACATATACCTGTGCAACATCAATCTGAGACAGGACTCTTTGGGCAGCCTCCT[T>C]CCCCTGATTATGTTTCTTCATTTCTTCTAAACTGATCTCATGACTTGTCAAATCAGATTG-3'
Protein context (NP_003997.2, residues 1424-1444): LEEMKKHNQG[Lys1434Glu]EAAQRVLSQI